The following is an entry in ClinVar:

ClinVar aggregate classification (germline): Uncertain significance (1 of 4 stars; one submission).

Allele frequency attached by ClinVar (database versions not stated): gnomAD exomes below 0.00001; gnomAD 0.00003; TOPMed 0.00003.
gnomAD v4.1: 5 of 1,550,238 alleles (0.00032%); highest among the groups gnomAD compares: African/African-American, 0.0055%; no homozygotes.

Submission:

Labcorp Genetics (formerly Invitae), Labcorp
Classification: Uncertain significance. Last evaluated: 2022-07-26. Review status: criteria provided, single submitter. Criteria: Invitae Variant Classification Sherloc (09022015). Collection method: clinical testing. Allele origin: germline.
Comment: This sequence change replaces alanine, which is neutral and non-polar, with threonine, which is neutral and polar, at codon 639 of the PDZD7 protein (p.Ala639Thr). This variant is not present in population databases (gnomAD no frequency). This variant has not been reported in the literature in individuals affected with PDZD7-related conditions. ClinVar contains an entry for this variant (Variation ID: 1503057). Algorithms developed to predict the effect of missense changes on protein structure and function are either unavailable or do not agree on the potential impact of this missense change (SIFT: "Tolerated"; PolyPhen-2: "Not Available"; Align-GVGD: "Class C0"). In summary, the available evidence is currently insufficient to determine the role of this variant in disease. Therefore, it has been classified as a Variant of Uncertain Significance.

NM_001195263.2(PDZD7):c.1915G>A (p.Ala639Thr)

Gene: PDZD7 (PDZ domain containing 7; minus strand). Cytogenetic location: 10q24.31.
Variant type: single nucleotide variant.
Coding change: c.1915G>A on transcript NM_001195263.2 (MANE Select); coding-DNA position 1915, G replaced by A.
Protein change: p.Ala639Thr; replaces alanine 639 with threonine.
Molecular consequence: missense variant.
Genome position (GRCh38, 1-based): chr10:101,011,943, C>T on the plus strand (G>A on the coding strand, the complement: PDZD7 is on the minus strand). VCF-style: chr10-101011943-C-T. GRCh37 (hg19) VCF-style: chr10-102771700-C-T.
Other names: short protein forms A639T.
Identifiers: ClinVar variation 1503057 (VCV001503057.5), dbSNP rs1048648727, ClinGen allele CA212979704.